The following is an entry in ClinVar:

ClinVar aggregate classification (germline): Pathogenic. Review status: criteria provided, multiple submitters, no conflicts (2 of 4 stars). 3 submissions from 3 submitters: Pathogenic (3). Last evaluated 2025-09-09.

Conditions:
Neurofibromatosis-Noonan syndrome (NFNS). Also called: NEUROFIBROMATOSIS WITH NOONAN PHENOTYPE. Identifiers: Orphanet 638, MedGen C2931482, MONDO:0011035, OMIM 601321. Disease mechanism: loss of function.
Café-au-lait macules with pulmonary stenosis (WTSN). Also called: PULMONIC STENOSIS WITH CAFE-AU-LAIT SPOTS. Identifiers: MedGen C0553586, MONDO:0008672, OMIM 193520.
Neurofibromatosis, type 1 (NF1). Also called: VON RECKLINGHAUSEN DISEASE; NEUROFIBROMATOSIS, TYPE I, SOMATIC; Peripheral type neurofibromatosis; Neurofibromatosis, type I. Identifiers: Orphanet 636, MedGen C0027831, MONDO:0018975, OMIM 162200. Disease mechanism: loss of function.
Neurofibromatosis, familial spinal (FSNF). Identifiers: Orphanet 636, MedGen C1834235, MONDO:0008078, OMIM 162210. Disease mechanism: loss of function.
Juvenile myelomonocytic leukemia (JMML). Also called: LEUKEMIA, JUVENILE MYELOMONOCYTIC, SOMATIC. Identifiers: Orphanet 86834, MedGen C0349639, MONDO:0011908, OMIM 607785, HP:0012209.

Submissions (3):

Labcorp Genetics (formerly Invitae), Labcorp
Classification: Pathogenic for Neurofibromatosis, type 1. Last evaluated: 2025-09-09. Review status: criteria provided, single submitter. Criteria: Invitae Variant Classification Sherloc (09022015). Collection method: clinical testing. Allele origin: germline.
Comment: This sequence change affects a donor splice site in intron 28 of the NF1 gene. It is expected to disrupt RNA splicing. Variants that disrupt the donor or acceptor splice site typically lead to a loss of protein function (PMID: 16199547), and loss-of-function variants in NF1 are known to be pathogenic (PMID: 10712197, 23913538). This variant is not present in population databases (gnomAD no frequency). Disruption of this splice site has been observed in individual(s) with NF1-related conditions (PMID: 11115850, 18546366; internal data). It has also been observed to segregate with disease in related individuals. This variant is also known as IVS22+1G>T . ClinVar contains an entry for this variant (Variation ID: 565498). Algorithms developed to predict the effect of sequence changes on RNA splicing suggest that this variant may disrupt the consensus splice site. For these reasons, this variant has been classified as Pathogenic.

Genome-Nilou Lab
Classification: Pathogenic for Neurofibromatosis, type 1. Last evaluated: 2022-03-15. Review status: criteria provided, single submitter. Criteria: ACMG Guidelines, 2015. Collection method: clinical testing. Allele origin: germline. Affected: no.

Fulgent Genetics
Classification: Pathogenic for Neurofibromatosis, type 1; Neurofibromatosis, familial spinal; Café-au-lait macules with pulmonary stenosis; Neurofibromatosis-Noonan syndrome; Juvenile myelomonocytic leukemia. Last evaluated: 2018-10-31. Review status: criteria provided, single submitter. Criteria: ACMG Guidelines, 2015. Collection method: clinical testing. Allele origin: unknown.

Literature cited by the submitters: PubMed 16199547 (cited by Labcorp Genetics (formerly Invitae), Labcorp); PubMed 10712197 (cited by Labcorp Genetics (formerly Invitae), Labcorp); PubMed 23913538 (cited by Labcorp Genetics (formerly Invitae), Labcorp); PubMed 11115850 (cited by Labcorp Genetics (formerly Invitae), Labcorp); PubMed 18546366 (cited by Labcorp Genetics (formerly Invitae), Labcorp).

NM_001042492.3(NF1):c.3870+1G>T

Gene: NF1 (neurofibromin 1; plus strand). Cytogenetic location: 17q11.2.
Variant type: single nucleotide variant.
Coding change: c.3870+1G>T on transcript NM_001042492.3 (MANE Select); the canonical splice donor site of the intron after coding-DNA position 3870, G replaced by T.
Molecular consequence: splice donor variant.
Genome position (GRCh38, 1-based): chr17:31,235,773, G>T. VCF-style: chr17-31235773-G-T. GRCh37 (hg19) VCF-style: chr17-29562791-G-T.
Other names: c.3870+1G>T (NM_000267.4).
Identifiers: ClinVar variation 565498 (VCV000565498.8), dbSNP rs1131691075, ClinGen allele CA398992942.
Genomic context (GRCh38, chr17:31,235,773, plus strand): 5'-ATGCAGACTCTCTTCCGAGGCAACAGCTTGGCCAGTAAAATAATGACATTCTGTTTCAAG[G>T]TTTGTATCATTCATTTTGTGTGTATGTGTGTGCTGAGGTATGTCAAGTAATGATTATGTA-3'